The following is an entry in ClinVar:

ClinVar aggregate classification (germline): Uncertain significance (1 of 4 stars; one submission).

Conditions:
Epilepsy, X-linked 1, with variable learning disabilities and behavior disorders. Also called: X-linked epilepsy-learning disabilities-behavior disorders syndrome. Identifiers: Orphanet 85294, MedGen C5774177, MONDO:0010339, OMIM 300491.

Allele frequency attached by ClinVar (database versions not stated): TOPMed below 0.00001; gnomAD 0.00001.
gnomAD v4.1: 2 of 1,051,202 alleles (0.00019%); highest among the groups gnomAD compares: Admixed American, 0.0044%; no homozygotes.

Submission:

Labcorp Genetics (formerly Invitae), Labcorp
Classification: Uncertain significance for Epilepsy, X-linked 1, with variable learning disabilities and behavior disorders. Last evaluated: 2024-08-07. Review status: criteria provided, single submitter. Criteria: Invitae Variant Classification Sherloc (09022015). Collection method: clinical testing. Allele origin: germline.
Comment: This sequence change replaces alanine, which is neutral and non-polar, with valine, which is neutral and non-polar, at codon 607 of the SYN1 protein (p.Ala607Val). The frequency data for this variant in the population databases is considered unreliable, as metrics indicate insufficient coverage at this position in the gnomAD database. This missense change has been observed in individual(s) with clinical features of SYN1-related conditions (Invitae). ClinVar contains an entry for this variant (Variation ID: 1002455). An algorithm developed to predict the effect of missense changes on protein structure and function outputs the following: PolyPhen-2: "Not Available". The valine amino acid residue is found in multiple mammalian species, which suggests that this missense change does not adversely affect protein function. Algorithms developed to predict the effect of sequence changes on RNA splicing suggest that this variant may create or strengthen a splice site. In summary, the available evidence is currently insufficient to determine the role of this variant in disease. Therefore, it has been classified as a Variant of Uncertain Significance.

NM_006950.3(SYN1):c.1820C>T (p.Ala607Val)

Gene: SYN1 (synapsin I; minus strand). Cytogenetic location: Xp11.3.
Variant type: single nucleotide variant.
Coding change: c.1820C>T on transcript NM_006950.3 (MANE Select); coding-DNA position 1820, C replaced by T.
Protein change: p.Ala607Val; replaces alanine 607 with valine.
Molecular consequence: missense variant.
Genome position (GRCh38, 1-based): chrX:47,574,164, G>A on the plus strand (C>T on the coding strand, the complement: SYN1 is on the minus strand). VCF-style: chrX-47574164-G-A. GRCh37 (hg19) VCF-style: chrX-47433563-G-A.
Other names: c.1820C>T, p.Ala607Val (NM_133499.2); short protein forms A607V.
Identifiers: ClinVar variation 1002455 (VCV001002455.9), dbSNP rs1339706473, ClinGen allele CA412822461.